The following is an entry in ClinVar:

ClinVar aggregate classification (germline): Likely benign (1 of 4 stars; one submission).

gnomAD v4.1: 585 of 1,614,016 alleles (0.036%); highest among the groups gnomAD compares: Non-Finnish European, 0.049%; no homozygotes.

Submission:

CeGaT Center for Human Genetics Tuebingen
Classification: Likely benign. Last evaluated: 2024-08-01. Review status: criteria provided, single submitter. Criteria: CeGaT Center For Human Genetics Tuebingen Variant Classification Criteria Version 2. Collection method: clinical testing. Allele origin: germline. Affected: yes. Observed: 1 variant allele.
Comment: KIF16B: BP4

NM_024704.5(KIF16B):c.2377G>C (p.Asp793His)

Gene: KIF16B (kinesin family member 16B; minus strand). Cytogenetic location: 20p12.1.
Variant type: single nucleotide variant.
Coding change: c.2377G>C on transcript NM_024704.5 (MANE Select); coding-DNA position 2377, G replaced by C.
Protein change: p.Asp793His; replaces aspartic acid 793 with histidine.
Molecular consequence: missense variant.
Genome position (GRCh38, 1-based): chr20:16,379,625, C>G on the plus strand (G>C on the coding strand, the complement: KIF16B is on the minus strand). VCF-style: chr20-16379625-C-G. GRCh37 (hg19) VCF-style: chr20-16360270-C-G.
Other names: c.2377G>C, p.Asp793His (NM_001199865.2, NM_001199866.2); c.2410G>C, p.Asp804His (NM_001410853.1); short protein forms D793H, D804H.
Identifiers: ClinVar variation 3341703 (VCV003341703.16).